The following is an entry in ClinVar:

ClinVar aggregate classification (germline): Uncertain significance. Review status: criteria provided, multiple submitters, no conflicts (2 of 4 stars). 8 submissions from 8 submitters: Uncertain significance (6). 2 of the submissions do not count toward it. Last evaluated 2025-12-22.

Conditions:
ALMS1-related disorder. Also called: ALMS1-related condition.
Cardiovascular phenotype. Identifiers: MedGen CN230736.
Alstrom syndrome (ALMS). Identifiers: Orphanet 64, MedGen C0268425, MONDO:0008763, OMIM 203800.

Allele frequency attached by ClinVar (database versions not stated): gnomAD exomes below 0.00001 and 0.00001; gnomAD 0.00009; TOPMed 0.00012.
gnomAD v4.1: 16 of 774,074 alleles (0.0021%); highest among the groups gnomAD compares: African/African-American, 0.024%; no homozygotes.

Submissions (8):

Labcorp Genetics (formerly Invitae), Labcorp
Classification: Uncertain significance for Alstrom syndrome. Last evaluated: 2025-12-22. Review status: criteria provided, single submitter. Criteria: Invitae Variant Classification Sherloc (09022015). Collection method: clinical testing. Allele origin: germline.
Comment: This sequence change replaces proline, which is neutral and non-polar, with leucine, which is neutral and non-polar, at codon 3 of the ALMS1 protein (p.Pro3Leu). This variant is present in population databases (no rsID available, gnomAD 0.03%). This variant has not been reported in the literature in individuals affected with ALMS1-related conditions. ClinVar contains an entry for this variant (Variation ID: 997886). Experimental studies and prediction algorithms are not available or were not evaluated, and the functional significance of this variant is currently unknown. In summary, the available evidence is currently insufficient to determine the role of this variant in disease. Therefore, it has been classified as a Variant of Uncertain Significance.

ARUP Laboratories, Molecular Genetics and Genomics, ARUP Laboratories
Classification: Uncertain significance for Alstrom syndrome. Last evaluated: 2025-05-20. Review status: criteria provided, single submitter. Criteria: ARUP Molecular Germline Variant Investigation Process 2024. Collection method: clinical testing. Allele origin: germline.
Comment: The ALMS1 c.8C>T; p.Pro3Leu variant (rs914898490), to our knowledge, is not reported in the medical literature but is reported in ClinVar (Variation ID: 997886). This variant is found in the African/African-American population with an allele frequency of 0.027% (4/15,016 alleles) in the Genome Aggregation Database (v2.1.1). Computational analyses predict that this variant is neutral (REVEL: 0.067). However, given the lack of clinical and functional data, the significance of this variant is uncertain at this time.

Ambry Genetics
Classification: Uncertain significance for Cardiovascular phenotype. Last evaluated: 2023-12-14. Review status: criteria provided, single submitter. Criteria: Ambry Variant Classification Scheme 2023. Collection method: clinical testing. Allele origin: germline.
Comment: The p.P3L variant (also known as c.8C>T), located in coding exon 1 of the ALMS1 gene, results from a C to T substitution at nucleotide position 8. The proline at codon 3 is replaced by leucine, an amino acid with similar properties. This amino acid position is well conserved in available vertebrate species. In addition, the in silico prediction for this alteration is inconclusive. Since supporting evidence is limited at this time, the clinical significance of this alteration remains unclear.

Fulgent Genetics
Classification: Uncertain significance for Alstrom syndrome. Last evaluated: 2022-04-29. Review status: criteria provided, single submitter. Criteria: ACMG Guidelines, 2015. Collection method: clinical testing. Allele origin: unknown.

New York Genome Center
Classification: Uncertain significance for Alstrom syndrome. Last evaluated: 2022-04-15. Review status: criteria provided, single submitter. Criteria: NYGC Assertion Criteria 2020. Collection method: clinical testing. Allele origin: germline. Observed: 1 heterozygote.

Women's Health and Genetics/Laboratory Corporation of America, LabCorp
Classification: Uncertain significance. Last evaluated: 2021-02-22. Review status: criteria provided, single submitter. Criteria: LabCorp Variant Classification Summary - May 2015. Collection method: clinical testing. Allele origin: germline.
Comment: Variant summary: ALMS1 c.8C>T (p.Pro3Leu) results in a non-conservative amino acid change in the encoded protein sequence. Three of five in-silico tools predict a benign effect of the variant on protein function. The variant allele was found at a frequency of 7.6e-06 in 131330 control chromosomes. The available data on variant occurrences in the general population are insufficient to allow any conclusion about variant significance. To our knowledge, no occurrence of c.8C>T in individuals affected with Alstrom Syndrome With Dilated Cardiomyopathy and no experimental evidence demonstrating its impact on protein function have been reported. No clinical diagnostic laboratories have submitted clinical-significance assessments for this variant to ClinVar after 2014. Based on the evidence outlined above, the variant was classified as uncertain significance.

PreventionGenetics, part of Exact Sciences
Classification: Uncertain significance for ALMS1-related condition. Last evaluated: 2024-08-05. Review status: no assertion criteria provided. Collection method: clinical testing. Allele origin: germline. Not counted in ClinVar's aggregate classification.
Comment: The ALMS1 c.8C>T variant is predicted to result in the amino acid substitution p.Pro3Leu. To our knowledge, this variant has not been reported in the literature. This variant is reported in 0.027% of alleles in individuals of African descent in gnomAD. At this time, the clinical significance of this variant is uncertain due to the absence of conclusive functional and genetic evidence.

Natera, Inc.
Classification: Uncertain significance for Alstrom syndrome. Last evaluated: 2021-07-02. Review status: no assertion criteria provided. Collection method: clinical testing. Allele origin: germline. Not counted in ClinVar's aggregate classification.

NM_001378454.1(ALMS1):c.8C>T (p.Pro3Leu)

Gene: ALMS1 (ALMS1 centrosome and basal body associated protein; plus strand). Cytogenetic location: 2p13.1.
Variant type: single nucleotide variant.
Coding change: c.8C>T on transcript NM_001378454.1 (MANE Select); coding-DNA position 8, C replaced by T.
Protein change: p.Pro3Leu; replaces proline 3 with leucine.
Molecular consequence: missense variant.
Genome position (GRCh38, 1-based): chr2:73,385,876, C>T. VCF-style: chr2-73385876-C-T. GRCh37 (hg19) VCF-style: chr2-73613004-C-T.
Other names: c.8C>T, p.Pro3Leu (NM_015120.4); short protein forms P3L.
Identifiers: ClinVar variation 997886 (VCV000997886.15), dbSNP rs914898490, ClinGen allele CA50368580.